The following is an entry in ClinVar:

NM_007294.4(BRCA1):c.3869A>C (p.Lys1290Thr)

Genes: BRCA1 (BRCA1 DNA repair associated; minus strand), LOC126862571 (BRD4-independent group 4 enhancer GRCh37_chr17:41243136-41244335; plus strand). Cytogenetic location: 17q21.31.
Variant type: single nucleotide variant.
Coding change: c.3869A>C on transcript NM_007294.4 (MANE Select); coding-DNA position 3869, A replaced by C.
Protein change: p.Lys1290Thr; replaces lysine 1290 with threonine.
Molecular consequence: missense variant. On other transcripts: intron variant (135).
Genome position (GRCh38, 1-based): chr17:43,091,662, T>G on the plus strand (A>C on the coding strand, the complement: BRCA1 is on the minus strand). VCF-style: chr17-43091662-T-G. GRCh37 (hg19) VCF-style: chr17-41243679-T-G.
Other names: 3988A>C; c.3866A>C, p.Lys1289Thr (NM_001407611.1, NM_001407612.1, NM_001407613.1 and 22 more transcripts); c.3869A>C, p.Lys1290Thr (NM_001407616.1, NM_001407617.1, NM_001407618.1 and 30 more transcripts); c.3860A>C, p.Lys1287Thr (NM_001407646.1, NM_001407647.1); c.3746A>C, p.Lys1249Thr (NM_001407648.1, NM_001407664.1, NM_001407665.1 and 19 more transcripts); c.3743A>C, p.Lys1248Thr (NM_001407649.1, NM_001407670.1, NM_001407671.1 and 11 more transcripts); c.3791A>C, p.Lys1264Thr (NM_001407653.1, NM_001407654.1, NM_001407655.1 and 4 more transcripts); c.3788A>C, p.Lys1263Thr (NM_001407659.1, NM_001407660.1, NM_001407661.1 and 1 more transcripts); and 42 more; short protein forms K1290T, K1243T, K1178T, K1201T, K1249T, K1163T, K1219T, K1222T.
Identifiers: ClinVar variation 96918 (VCV000096918.20), dbSNP rs431825401, ClinGen allele CA002494.
Genomic context (GRCh38, chr17:43,091,662, plus strand): 5'-GTATTTGCAGTCAAGTCTTCCAATTCACTGCACTGTGAAGAAAACAAGCTAGCAGAACAT[T>G]TTGTTTCCTCACTAAGGTGATGTTCCTGAGATGCCTTTGCCAATATTACCTGGTTACTGC-3'
Protein context (NP_009225.1, residues 1280-1300): SQEHHLSEET[Lys1290Thr]CSASLFSSQC

ClinVar aggregate classification (germline): Conflicting classifications of pathogenicity. Review status: criteria provided, conflicting classifications (1 of 4 stars). 7 submissions from 7 submitters: Uncertain significance (4); Likely benign (2). 1 of the submissions does not count toward it. Last evaluated 2025-09-03.

Conditions:
BRCA1-related cancer predisposition. Identifiers: MedGen CN377757, MONDO:0700268.
Breast-ovarian cancer, familial, susceptibility to, 1 (BROVCA1). Also called: BRCA1 Hereditary Breast and Ovarian Cancer; OVARIAN CANCER, SUSCEPTIBILITY TO. Identifiers: Orphanet 145, MedGen C2676676, MONDO:0011450, OMIM 604370. Disease mechanism: loss of function.
Hereditary breast ovarian cancer syndrome. Also called: Hereditary breast and/or ovarian cancer syndrome; Hereditary breast and ovarian cancer syndrome; Hereditary breast and ovarian cancer; Hereditary breast and ovarian cancer syndrome (HBOC); Breast and ovarian cancer; BRCA1- and BRCA2-Associated Hereditary Breast and Ovarian Cancer. Identifiers: Orphanet 145, MedGen C0677776, MeSH D061325, MONDO:0003582. Disease mechanism: loss of function.
Hereditary cancer-predisposing syndrome. Also called: Hereditary Cancer Syndrome; Neoplastic Syndromes, Hereditary; Hereditary neoplastic syndrome; Tumor predisposition. Identifiers: Orphanet 140162, MedGen C0027672, MeSH D009386, MONDO:0015356.

Allele frequency attached by ClinVar (database versions not stated): gnomAD exomes below 0.00001 and 0.00001.

Submissions (7):

Labcorp Genetics (formerly Invitae), Labcorp
Classification: Uncertain significance for Hereditary breast ovarian cancer syndrome. Last evaluated: 2025-09-03. Review status: criteria provided, single submitter. Criteria: Invitae Variant Classification Sherloc (09022015). Collection method: clinical testing. Allele origin: germline.
Comment: This sequence change replaces lysine, which is basic and polar, with threonine, which is neutral and polar, at codon 1290 of the BRCA1 protein (p.Lys1290Thr). This variant is present in population databases (rs431825401, gnomAD 0.0009%). This missense change has been observed in individual(s) with ovarian cancer (PMID: 22711857). ClinVar contains an entry for this variant (Variation ID: 96918). Invitae Evidence Modeling of protein sequence and biophysical properties (such as structural, functional, and spatial information, amino acid conservation, physicochemical variation, residue mobility, and thermodynamic stability) indicates that this missense variant is not expected to disrupt BRCA1 protein function with a negative predictive value of 80%. In summary, the available evidence is currently insufficient to determine the role of this variant in disease. Therefore, it has been classified as a Variant of Uncertain Significance.

Blueprint Genetics
Classification: Likely benign. Last evaluated: 2024-10-23. Review status: criteria provided, single submitter. Criteria: ACMG Guidelines, 2015. Collection method: clinical testing. Allele origin: germline.

All of Us Research Program, National Institutes of Health
Classification: Uncertain significance for BRCA1-related cancer predisposition. Last evaluated: 2024-05-30. Review status: criteria provided, single submitter. Criteria: ACMG Guidelines, 2015. Collection method: clinical testing. Allele origin: germline. Inheritance: Autosomal dominant inheritance. Observed: 1 variant allele, 1 heterozygote.
Comment: This missense variant replaces lysine with threonine at codon 1290 of the BRCA1 protein. Computational prediction is inconclusive regarding the impact of this variant on protein structure and function. To our knowledge, functional studies have not been reported for this variant. This variant has been reported in an individual affected with ovarian cancer (PMID: 22711857). This variant has been identified in 1/251178 chromosomes in the general population by the Genome Aggregation Database (gnomAD). The available evidence is insufficient to determine the role of this variant in disease conclusively. Therefore, this variant is classified as a Variant of Uncertain Significance.

This study involves interpretation of variants in research participants for the purpose of population health screening. Participant phenotype was not available at the time of variant classification. Additional details can be found in publication PMID: 35346344, PMCID: PMC8962531

Ambry Genetics
Classification: Uncertain significance for Hereditary cancer-predisposing syndrome. Last evaluated: 2024-01-20. Review status: criteria provided, single submitter. Criteria: Ambry Variant Classification Scheme 2023. Collection method: clinical testing. Allele origin: germline.
Comment: The p.K1290T variant (also known as c.3869A>C), located in coding exon 9 of the BRCA1 gene, results from an A to C substitution at nucleotide position 3869. The lysine at codon 1290 is replaced by threonine, an amino acid with similar properties. This amino acid position is poorly conserved in available vertebrate species. In addition, the in silico prediction for this alteration is inconclusive. Since supporting evidence is limited at this time, the clinical significance of this alteration remains unclear.

Color Diagnostics, LLC DBA Color Health
Classification: Uncertain significance for Hereditary cancer-predisposing syndrome. Last evaluated: 2023-11-06. Review status: criteria provided, single submitter. Criteria: ACMG Guidelines, 2015. Collection method: clinical testing. Allele origin: germline.
Comment: This missense variant replaces lysine with threonine at codon 1290 of the BRCA1 protein. Computational prediction is inconclusive regarding the impact of this variant on protein structure and function. To our knowledge, functional studies have not been reported for this variant. This variant has been reported in an individual affected with ovarian cancer (PMID: 22711857). This variant has been identified in 1/251178 chromosomes in the general population by the Genome Aggregation Database (gnomAD). The available evidence is insufficient to determine the role of this variant in disease conclusively. Therefore, this variant is classified as a Variant of Uncertain Significance.

University of Washington Department of Laboratory Medicine, University of Washington
Classification: Likely benign for Hereditary cancer-predisposing syndrome. Last evaluated: 2023-03-23. Review status: criteria provided, single submitter. Criteria: Dines et al. (Genet Med. 2020). Collection method: curation. Allele origin: germline.
Comment: Missense variant in a coldspot region where missense variants are very unlikely to be pathogenic (PMID:31911673).

BRCA1 coldspot (exon 11 using historical exon numbering). Reclassification based on statistical prior probability

Sharing Clinical Reports Project (SCRP)
Classification: Uncertain significance for Breast-ovarian cancer, familial 1. Last evaluated: 2011-02-03. Review status: no assertion criteria provided. Collection method: clinical testing. Allele origin: germline. Not counted in ClinVar's aggregate classification.

Literature cited by the submitters: PubMed 22711857 (cited by 3 submitters).